The following is an entry in ClinVar:

ClinVar aggregate classification (germline): Uncertain significance. Review status: criteria provided, multiple submitters, no conflicts (2 of 4 stars). 3 submissions from 3 submitters: Uncertain significance (3). Last evaluated 2026-08-13.

Conditions:
Neurofibromatosis, type 2 (SWNV). Also called: SCHWANNOMATOSIS, VESTIBULAR; BILATERAL ACOUSTIC NEUROFIBROMATOSIS; NF2-Related Schwannomatosis. Identifiers: Orphanet 637, MedGen C0027832, MONDO:0007039, OMIM 101000. Disease mechanism: loss of function.
Hereditary cancer-predisposing syndrome. Also called: Hereditary Cancer Syndrome; Tumor predisposition; Neoplastic Syndromes, Hereditary; Hereditary neoplastic syndrome. Identifiers: Orphanet 140162, MedGen C0027672, MeSH D009386, MONDO:0015356.

Allele frequency attached by ClinVar (database versions not stated): TOPMed below 0.00001.

Submissions (3):

Ambry Genetics
Classification: Uncertain significance for Hereditary cancer-predisposing syndrome. Last evaluated: 2026-08-13. Review status: criteria provided, single submitter. Criteria: Ambry Variant Classification Scheme 2023. Collection method: clinical testing. Allele origin: germline.
Comment: The c.115-3C>T intronic variant results from a C to T substitution 3 nucleotides upstream from coding exon 2 in the NF2 gene. This nucleotide position is well conserved in available vertebrate species. In silico splice site analysis predicts that this alteration may weaken the native splice acceptor site; however, direct evidence is insufficient at this time (Ambry internal data). Based on the available evidence, the clinical significance of this variant remains unclear.

Color Diagnostics, LLC DBA Color Health
Classification: Uncertain significance for Neurofibromatosis, type 2. Last evaluated: 2025-06-30. Review status: criteria provided, single submitter. Criteria: ACMG Guidelines, 2015. Collection method: clinical testing. Allele origin: germline.
Comment: This variant causes a C to T nucleotide substitution at the -3 position of intron 1 of the NF2 gene. To our knowledge, functional studies have not been reported for this variant. This variant has not been reported in individuals affected with NF2-related disorders in the literature. This variant has not been identified in the general population by the Genome Aggregation Database (gnomAD). The available evidence is insufficient to determine the role of this variant in disease conclusively. Therefore, this variant is classified as a Variant of Uncertain Significance.

Labcorp Genetics (formerly Invitae), Labcorp
Classification: Uncertain significance for Neurofibromatosis, type 2. Last evaluated: 2023-12-08. Review status: criteria provided, single submitter. Criteria: Invitae Variant Classification Sherloc (09022015). Collection method: clinical testing. Allele origin: germline.
Comment: This sequence change falls in intron 1 of the NF2 gene. It does not directly change the encoded amino acid sequence of the NF2 protein. It affects a nucleotide within the consensus splice site. This variant is not present in population databases (gnomAD no frequency). This variant has not been reported in the literature in individuals affected with NF2-related conditions. ClinVar contains an entry for this variant (Variation ID: 1483738). Variants that disrupt the consensus splice site are a relatively common cause of aberrant splicing (PMID: 17576681, 9536098). Algorithms developed to predict the effect of sequence changes on RNA splicing suggest that this variant is not likely to affect RNA splicing. In summary, the available evidence is currently insufficient to determine the role of this variant in disease. Therefore, it has been classified as a Variant of Uncertain Significance.

Literature cited by the submitters: PubMed 17576681 (cited by Labcorp Genetics (formerly Invitae), Labcorp); PubMed 9536098 (cited by Labcorp Genetics (formerly Invitae), Labcorp).

NM_000268.4(NF2):c.115-3C>T

Gene: NF2 (NF2, moesin-ezrin-radixin like (MERLIN) tumor suppressor; plus strand). Cytogenetic location: 22q12.2.
Variant type: single nucleotide variant.
Coding change: c.115-3C>T on transcript NM_000268.4 (MANE Select); 3 bases into the intron before coding-DNA position 115, C replaced by T.
Molecular consequence: intron variant.
Genome position (GRCh38, 1-based): chr22:29,636,748, C>T. VCF-style: chr22-29636748-C-T. GRCh37 (hg19) VCF-style: chr22-30032737-C-T.
Other names: c.115-3C>T (NM_016418.5, NM_181832.3, NM_181833.3 and 3 more transcripts); c.115-2342C>T (NM_181828.3); c.115-5454C>T (NM_181830.3, NM_181831.3).
Identifiers: ClinVar variation 1483738 (VCV001483738.9), dbSNP rs2065657841, ClinGen allele CA2400667184.